The following is an entry in ClinVar:

NM_000038.6(APC):c.6961A>G (p.Ile2321Val)

Gene: APC (APC regulator of Wnt signaling pathway; plus strand). Cytogenetic location: 5q22.2.
Variant type: single nucleotide variant.
Coding change: c.6961A>G on transcript NM_000038.6 (MANE Select); coding-DNA position 6961, A replaced by G.
Protein change: p.Ile2321Val; replaces isoleucine 2321 with valine.
Molecular consequence: missense variant.
Genome position (GRCh38, 1-based): chr5:112,842,555, A>G. VCF-style: chr5-112842555-A-G. GRCh37 (hg19) VCF-style: chr5-112178252-A-G.
Other names: c.6961A>G, p.Ile2321Val (NM_001127510.3, NM_001354895.2, NM_001407450.1); c.6907A>G, p.Ile2303Val (NM_001127511.3); c.7015A>G, p.Ile2339Val (NM_001354896.2, NM_001407447.1, NM_001407448.1 and 1 more transcripts); c.6991A>G, p.Ile2331Val (NM_001354897.2); c.6886A>G, p.Ile2296Val (NM_001354898.2); c.6877A>G, p.Ile2293Val (NM_001354899.2); c.6838A>G, p.Ile2280Val (NM_001354900.2); c.6784A>G, p.Ile2262Val (NM_001354901.2, NM_001407453.1); and 11 more; short protein forms I2192V, I2238V, I2280V, I2293V, I2314V, I2321V, I2331V, I2038V.
Identifiers: ClinVar variation 2088784 (VCV002088784.4), dbSNP rs2149977171, ClinGen allele CA16036512.

ClinVar aggregate classification (germline): Uncertain significance (1 of 4 stars; one submission).

Conditions:
Familial adenomatous polyposis 1 (FAP1). Also called: POLYPOSIS, ADENOMATOUS INTESTINAL; FAMILIAL ADENOMATOUS POLYPOSIS 1, ATTENUATED. Identifiers: MedGen C2713442, MONDO:0021056, OMIM 175100. Disease mechanism: loss of function.

Submission:

Labcorp Genetics (formerly Invitae), Labcorp
Classification: Uncertain significance for Familial adenomatous polyposis 1. Last evaluated: 2022-04-05. Review status: criteria provided, single submitter. Criteria: Invitae Variant Classification Sherloc (09022015). Collection method: clinical testing. Allele origin: germline.
Comment: This sequence change replaces isoleucine, which is neutral and non-polar, with valine, which is neutral and non-polar, at codon 2321 of the APC protein (p.Ile2321Val). This variant is not present in population databases (gnomAD no frequency). This variant has not been reported in the literature in individuals affected with APC-related conditions. Algorithms developed to predict the effect of missense changes on protein structure and function output the following: SIFT: "Deleterious"; PolyPhen-2: "Benign"; Align-GVGD: "Class C0". The valine amino acid residue is found in multiple mammalian species, which suggests that this missense change does not adversely affect protein function. In summary, the available evidence is currently insufficient to determine the role of this variant in disease. Therefore, it has been classified as a Variant of Uncertain Significance.